The following is an entry in ClinVar:

ClinVar aggregate classification (germline): Uncertain significance (1 of 4 stars; one submission).

Submission:

Labcorp Genetics (formerly Invitae), Labcorp
Classification: Uncertain significance. Last evaluated: 2025-07-29. Review status: criteria provided, single submitter. Criteria: Invitae Variant Classification Sherloc (09022015). Collection method: clinical testing. Allele origin: germline.
Comment: This sequence change replaces glycine, which is neutral and non-polar, with cysteine, which is neutral and slightly polar, at codon 41 of the SERPING1 protein (p.Gly41Cys). This variant is not present in population databases (gnomAD no frequency). This missense change has been observed in individual(s) with hereditary angioedema (internal data). ClinVar contains an entry for this variant (Variation ID: 2789132). Invitae Evidence Modeling of protein sequence and biophysical properties (such as structural, functional, and spatial information, amino acid conservation, physicochemical variation, residue mobility, and thermodynamic stability) indicates that this missense variant is not expected to disrupt SERPING1 protein function with a negative predictive value of 95%. In summary, the available evidence is currently insufficient to determine the role of this variant in disease. Therefore, it has been classified as a Variant of Uncertain Significance.

NM_000062.3(SERPING1):c.121G>T (p.Gly41Cys)

Gene: SERPING1 (serpin family G member 1; plus strand). Cytogenetic location: 11q12.1.
Variant type: single nucleotide variant.
Coding change: c.121G>T on transcript NM_000062.3 (MANE Select); coding-DNA position 121, G replaced by T.
Protein change: p.Gly41Cys; replaces glycine 41 with cysteine.
Molecular consequence: missense variant.
Genome position (GRCh38, 1-based): chr11:57,599,948, G>T. VCF-style: chr11-57599948-G-T. GRCh37 (hg19) VCF-style: chr11-57367421-G-T.
Other names: c.121G>T, p.Gly41Cys (NM_001032295.2); short protein forms G41C.
Identifiers: ClinVar variation 2789132 (VCV002789132.3), dbSNP rs1945328184, ClinGen allele CA380694437.